The following is an entry in ClinVar:

NM_005546.4(ITK):c.578G>A (p.Arg193Gln)

Gene: ITK (IL2 inducible T cell kinase; plus strand). Cytogenetic location: 5q33.3.
Variant type: single nucleotide variant.
Coding change: c.578G>A on transcript NM_005546.4 (MANE Select); coding-DNA position 578, G replaced by A.
Protein change: p.Arg193Gln; replaces arginine 193 with glutamine.
Molecular consequence: missense variant.
Genome position (GRCh38, 1-based): chr5:157,222,945, G>A. VCF-style: chr5-157222945-G-A. GRCh37 (hg19) VCF-style: chr5-156649955-G-A.
Other names: short protein forms R193Q.
Identifiers: ClinVar variation 352464 (VCV000352464.22), dbSNP rs17054374, ClinGen allele CA3532810.

ClinVar aggregate classification (germline): Benign/Likely benign. Review status: criteria provided, multiple submitters, no conflicts (2 of 4 stars). 7 submissions from 7 submitters: Benign (2); Likely benign (4). 1 of the submissions does not count toward it. Last evaluated 2026-02-10.

Conditions:
Lymphoproliferative syndrome 1 (LPFS1). Identifiers: Orphanet 238505, Orphanet 538963, MedGen C3552634, MONDO:0013081, OMIM 613011.
Autoinflammatory syndrome. Identifiers: Orphanet 93665, MedGen C3890737, MONDO:0019751.

Allele frequency attached by ClinVar (database versions not stated): gnomAD exomes 0.00041 and 0.00098; ExAC 0.00119; 1000 Genomes Project 0.00200; 1000 Genomes Project 30x 0.00219; gnomAD 0.00358 and 0.00396; ESP Exome Variant Server 0.00408; TOPMed 0.00435.
gnomAD v4.1: 1,211 of 1,614,094 alleles (0.075%); highest among the groups gnomAD compares: African/African-American, 1.3%; 8 homozygotes.

Submissions (7):

Women's Health and Genetics/Laboratory Corporation of America, LabCorp
Classification: Likely benign. Last evaluated: 2026-02-10. Review status: criteria provided, single submitter. Criteria: LabCorp Variant Classification Summary - May 2015. Collection method: clinical testing. Allele origin: germline.
Comment: Variant summary: ITK c.578G>A (p.Arg193Gln) results in a conservative amino acid change in the encoded protein sequence. Algorithms developed to predict the effect of missense changes on protein structure and function all suggest that this variant is likely to be tolerated. The variant allele was found at a frequency of 0.00098 in 251378 control chromosomes, predominantly at a frequency of 0.012 within the African or African-American subpopulation in the gnomAD database. The observed variant frequency within African or African-American control individuals in the gnomAD database exceeds the estimated maximal expected allele frequency for disease-causing variants in ITK. To our knowledge, no occurrence of c.578G>A in individuals affected with ITK-related conditions and no experimental evidence demonstrating its impact on protein function have been reported. ClinVar contains an entry for this variant (Variation ID: 352464). Based on the evidence outlined above, the variant was classified as likely benign.

Labcorp Genetics (formerly Invitae), Labcorp
Classification: Benign for Lymphoproliferative syndrome 1. Last evaluated: 2026-01-26. Review status: criteria provided, single submitter. Criteria: Invitae Variant Classification Sherloc (09022015). Collection method: clinical testing. Allele origin: germline.

Mayo Clinic Laboratories, Mayo Clinic
Classification: Likely benign. Last evaluated: 2025-05-12. Review status: criteria provided, single submitter. Criteria: ACMG Guidelines, 2015. Collection method: clinical testing. Allele origin: germline. Observed: 5 variant alleles.
Comment: BS1, BP4_moderate

Blueprint Genetics
Classification: Likely benign. Last evaluated: 2024-11-26. Review status: criteria provided, single submitter. Criteria: ACMG Guidelines, 2015. Collection method: clinical testing. Allele origin: germline.

Genome Diagnostics Laboratory, The Hospital for Sick Children
Classification: Likely benign for Autoinflammatory syndrome. Last evaluated: 2022-02-25. Review status: criteria provided, single submitter. Criteria: ACMG Guidelines, 2015. Collection method: clinical testing. Allele origin: germline. Affected: yes.

Illumina Laboratory Services, Illumina
Classification: Benign for Lymphoproliferative syndrome 1. Last evaluated: 2018-01-12. Review status: criteria provided, single submitter. Criteria: ICSL Variant Classification Criteria 13 December 2019. Collection method: clinical testing. Allele origin: germline.
Comment: This variant was observed in the ICSL laboratory as part of a predisposition screen in an ostensibly healthy population. It had not been previously curated by ICSL or reported in the Human Gene Mutation Database (HGMD: prior to June 1st, 2018), and was therefore a candidate for classification through an automated scoring system. Utilizing variant allele frequency, disease prevalence and penetrance estimates, and inheritance mode, an automated score was calculated to assess if this variant is too frequent to cause the disease. Based on the score and internal cut-off values, a variant classified as benign is not then subjected to further curation. The score for this variant resulted in a classification of benign for this disease.

Genetic Services Laboratory, University of Chicago
Classification: Benign. Last evaluated: 2022-07-27. Review status: no assertion criteria provided. Collection method: clinical testing. Allele origin: germline. Affected: no. Not counted in ClinVar's aggregate classification.

Literature cited by the submitters: PubMed 32620996 (cited by Mayo Clinic Laboratories, Mayo Clinic).